The following is an entry in ClinVar:

ClinVar aggregate classification (germline): Pathogenic/Likely pathogenic. Review status: criteria provided, multiple submitters, no conflicts (2 of 4 stars). 2 submissions from 2 submitters: Pathogenic (1); Likely pathogenic (1). Last evaluated 2023-08-28.

Conditions:
Tuberous sclerosis 1 (TSC1). Identifiers: Orphanet 805, MedGen C1854465, MONDO:0008612, OMIM 191100.

Submissions (2):

Myriad Genetics, Inc.
Classification: Likely pathogenic for Tuberous sclerosis 1. Last evaluated: 2023-08-28. Review status: criteria provided, single submitter. Criteria: Myriad Autosomal Dominant, Autosomal Recessive and X-Linked Classification Criteria (2023). Collection method: clinical testing. Allele origin: unknown.
Comment: This variant is considered likely pathogenic. This variant occurs within a consensus splice junction and is predicted to result in abnormal mRNA splicing of either an out-of-frame exon or an in-frame exon necessary for protein stability and/or normal function.

Labcorp Genetics (formerly Invitae), Labcorp
Classification: Pathogenic for Tuberous sclerosis 1. Last evaluated: 2021-04-06. Review status: criteria provided, single submitter. Criteria: Invitae Variant Classification Sherloc (09022015). Collection method: clinical testing. Allele origin: germline.
Comment: This sequence change affects a donor splice site in intron 6 of the TSC1 gene. It is expected to disrupt RNA splicing. Variants that disrupt the donor or acceptor splice site typically lead to a loss of protein function (PMID: 16199547), and loss-of-function variants in TSC1 are known to be pathogenic (PMID: 10227394, 17304050). This variant is not present in population databases (ExAC no frequency). Disruption of this splice site has been observed in individual(s) with tuberous sclerosis complex (PMID: 27406250, 31525612, Invitae). Algorithms developed to predict the effect of sequence changes on RNA splicing suggest that this variant may disrupt the consensus splice site, but this prediction has not been confirmed by published transcriptional studies. For these reasons, this variant has been classified as Pathogenic.

Literature cited by the submitters: PubMed 16199547 (cited by Labcorp Genetics (formerly Invitae), Labcorp); PubMed 10227394 (cited by Labcorp Genetics (formerly Invitae), Labcorp); PubMed 17304050 (cited by Labcorp Genetics (formerly Invitae), Labcorp); PubMed 27406250 (cited by Labcorp Genetics (formerly Invitae), Labcorp); PubMed 31525612 (cited by Labcorp Genetics (formerly Invitae), Labcorp).

NM_000368.5(TSC1):c.508+2T>C

Gene: TSC1 (TSC complex subunit 1; minus strand). Cytogenetic location: 9q34.13.
Variant type: single nucleotide variant.
Coding change: c.508+2T>C on transcript NM_000368.5 (MANE Select); the canonical splice donor site of the intron after coding-DNA position 508, T replaced by C.
Molecular consequence: splice donor variant.
Genome position (GRCh38, 1-based): chr9:132,923,346, A>G on the plus strand (T>C on the coding strand, the complement: TSC1 is on the minus strand). VCF-style: chr9-132923346-A-G. GRCh37 (hg19) VCF-style: chr9-135798733-A-G.
Other names: c.508+2T>C (NM_001406602.1, NM_001406606.1, NM_001406592.1 and 16 more transcripts); c.145+2T>C (NM_001406619.1, NM_001406622.1, NM_001362177.2 and 10 more transcripts); c.355+2T>C (NM_001406611.1, NM_001406612.1, NM_001406610.1 and 2 more transcripts); c.-370+2T>C (NM_001406627.1, NM_001406628.1, NM_001406626.1); c.-512+2T>C (NM_001406629.1); c.-586+2T>C (NM_001406630.1).
Identifiers: ClinVar variation 1454414 (VCV001454414.9), dbSNP rs2132185885, ClinGen allele CA375373084.